The following is an entry in ClinVar:

ClinVar aggregate classification (germline): Uncertain significance. Review status: criteria provided, multiple submitters, no conflicts (2 of 4 stars). 2 submissions from 2 submitters: Uncertain significance (2). Last evaluated 2025-12-03.

Conditions:
Cardiovascular phenotype. Identifiers: MedGen CN230736.
Desmin-related myofibrillar myopathy (MFM1). Also called: Myofibrillar myopathy 1; Desminopathy; MYOFIBRILLAR MYOPATHY WITH ARRHYTHMOGENIC RIGHT VENTRICULAR CARDIOMYOPATHY; DESMIN-RELATED MYOPATHY WITH ARRHYTHMOGENIC RIGHT VENTRICULAR CARDIOMYOPATHY; Desmin related myopathy (former name); Desmin storage myopathy (former name). Identifiers: Orphanet 363543, Orphanet 98909, MedGen C1832370, MONDO:0011076, OMIM 601419.

Allele frequency attached by ClinVar (database versions not stated): gnomAD exomes below 0.00001.
gnomAD v4.1: 2 of 1,613,506 alleles (0.00012%); highest among the groups gnomAD compares: Non-Finnish European, 0.00017%; no homozygotes.

Submissions (2):

Ambry Genetics
Classification: Uncertain significance for Cardiovascular phenotype. Last evaluated: 2025-12-03. Review status: criteria provided, single submitter. Criteria: Ambry Variant Classification Scheme 2023. Collection method: clinical testing. Allele origin: germline.
Comment: The p.I335T variant (also known as c.1004T>C), located in coding exon 5 of the DES gene, results from a T to C substitution at nucleotide position 1004. The isoleucine at codon 335 is replaced by threonine, an amino acid with similar properties. This amino acid position is highly conserved in available vertebrate species. In addition, this alteration is predicted to be deleterious by in silico analysis. Based on the available evidence, the clinical significance of this variant remains unclear.

Labcorp Genetics (formerly Invitae), Labcorp
Classification: Uncertain significance for Desmin-related myofibrillar myopathy. Last evaluated: 2022-10-13. Review status: criteria provided, single submitter. Criteria: Invitae Variant Classification Sherloc (09022015). Collection method: clinical testing. Allele origin: germline.
Comment: In summary, the available evidence is currently insufficient to determine the role of this variant in disease. Therefore, it has been classified as a Variant of Uncertain Significance. Advanced modeling of protein sequence and biophysical properties (such as structural, functional, and spatial information, amino acid conservation, physicochemical variation, residue mobility, and thermodynamic stability) has been performed at Invitae for this missense variant, however the output from this modeling did not meet the statistical confidence thresholds required to predict the impact of this variant on DES protein function. ClinVar contains an entry for this variant (Variation ID: 1022812). This missense change has been observed in individual(s) with clinical features of DES-related conditions (PMID: 21520333). This variant is not present in population databases (gnomAD no frequency). This sequence change replaces isoleucine, which is neutral and non-polar, with threonine, which is neutral and polar, at codon 335 of the DES protein (p.Ile335Thr).

Literature cited by the submitters: PubMed 21520333 (cited by Labcorp Genetics (formerly Invitae), Labcorp).

NM_001927.4(DES):c.1004T>C (p.Ile335Thr)

Gene: DES (desmin; plus strand). Cytogenetic location: 2q35.
Variant type: single nucleotide variant.
Coding change: c.1004T>C on transcript NM_001927.4 (MANE Select); coding-DNA position 1004, T replaced by C.
Protein change: p.Ile335Thr; replaces isoleucine 335 with threonine.
Molecular consequence: missense variant. On other transcripts: intron variant (1).
Genome position (GRCh38, 1-based): chr2:219,420,934, T>C. VCF-style: chr2-219420934-T-C. GRCh37 (hg19) VCF-style: chr2-220285656-T-C.
Other names: c.1001T>C, p.Ile334Thr (NM_001382708.1); c.1004T>C, p.Ile335Thr (NM_001382710.1, NM_001382711.1, NM_001382712.1); c.734T>C, p.Ile245Thr (NM_001382713.1); c.736-550T>C (NM_001382709.1); c.1004T>C (NM_001927.3); short protein forms I245T, I334T, I335T.
Identifiers: ClinVar variation 1022812 (VCV001022812.10), dbSNP rs1954429245, ClinGen allele CA350693247.